The following is an entry in ClinVar:

ClinVar aggregate classification (germline): Uncertain significance (1 of 4 stars; one submission).

gnomAD v4.1: 2 of 1,613,848 alleles (0.00012%); highest among the groups gnomAD compares: Non-Finnish European, 0.00017%; no homozygotes.

Submission:

GeneDx
Classification: Uncertain significance. Last evaluated: 2023-06-22. Review status: criteria provided, single submitter. Criteria: GeneDx Variant Classification Process June 2021. Collection method: clinical testing. Allele origin: germline. Affected: yes.
Comment: Not observed at significant frequency in large population cohorts (gnomAD); In silico analysis supports that this missense variant does not alter protein structure/function; Has not been previously published as pathogenic or benign to our knowledge

NM_000053.4(ATP7B):c.1354A>C (p.Thr452Pro)

Gene: ATP7B (ATPase copper transporting beta; minus strand). Cytogenetic location: 13q14.3.
Variant type: single nucleotide variant.
Coding change: c.1354A>C on transcript NM_000053.4 (MANE Select); coding-DNA position 1354, A replaced by C.
Protein change: p.Thr452Pro; replaces threonine 452 with proline.
Molecular consequence: missense variant. On other transcripts: intron variant (1).
Genome position (GRCh38, 1-based): chr13:51,970,681, T>G on the plus strand (A>C on the coding strand, the complement: ATP7B is on the minus strand). VCF-style: chr13-51970681-T-G. GRCh37 (hg19) VCF-style: chr13-52544817-T-G.
Other names: c.1354A>C, p.Thr452Pro (NM_001005918.3, NM_001330578.2, NM_001330579.2 and 28 more transcripts); c.1021A>C, p.Thr341Pro (NM_001243182.2); c.1258A>C, p.Thr420Pro (NM_001406517.1, NM_001406518.1, NM_001406530.1 and 3 more transcripts); c.925A>C, p.Thr309Pro (NM_001406539.1); c.1285+3254A>C (NM_001406548.1); short protein forms T309P, T341P, T420P, T452P.
Identifiers: ClinVar variation 3360197 (VCV003360197.1).